The following is an entry in ClinVar:

NM_012144.4(DNAI1):c.1340_1358del (p.Gln447fs)

Gene: DNAI1 (dynein axonemal intermediate chain 1; plus strand). Cytogenetic location: 9p13.3.
Variant type: Deletion.
Coding change: c.1340_1358del on transcript NM_012144.4 (MANE Select); coding-DNA positions 1340 to 1358, 19 bases deleted (AAAACCTTAACTTCTTCTC).
Protein change: p.Gln447fs; shifts the reading frame from glutamine 447.
Molecular consequence: frameshift variant.
Genome position (GRCh38, 1-based): chr9:34,512,137-34,512,155, AAAACCTTAACTTCTTCTC deleted; deleting any 19 consecutive bases within chr9:34,512,136-34,512,155 gives the same sequence; the c. name uses the placement nearest the transcript's 3' end. VCF-style (leftmost placement, unchanged base first): chr9-34512135-CCAAAACCTTAACTTCTTCT-C. GRCh37 (hg19) VCF-style: chr9-34512133-CCAAAACCTTAACTTCTTCT-C.
Other names: c.1352_1370del, p.Gln451fs (NM_001281428.2); short protein forms Q447fs, Q451fs.
Identifiers: ClinVar variation 5013284 (VCV005013284.1).

ClinVar aggregate classification (germline): Pathogenic (1 of 4 stars; one submission).

Conditions:
Kartagener syndrome (CILD1). Also called: CILIARY DYSKINESIA, PRIMARY, 1; CILIARY DYSKINESIA, PRIMARY, 1, WITH OR WITHOUT SITUS INVERSUS; IMMOTILE CILIA SYNDROME; POLYNESIAN BRONCHIECTASIS; Dextrocardia bronchiectasis and sinusitis; SIEWERT SYNDROME. Identifiers: Orphanet 244, MedGen C4551906, MONDO:0009484, OMIM 244400.

Submission:

Myriad Genetics, Inc.
Classification: Pathogenic for Kartagener syndrome. Last evaluated: 2024-07-05. Review status: criteria provided, single submitter. Criteria: Myriad Autosomal Dominant, Autosomal Recessive and X-Linked Classification Criteria (2023). Collection method: clinical testing. Allele origin: unknown.
Comment: NM_012144.2(DNAI1):c.1340_1358del19(Q447Lfs*14) is expected to be pathogenic in the context of primary ciliary dyskinesia, DNAI1-related. This variant is predicted to lead to an abnormal or absent protein product due to the creation of a premature termination codon in DNAI1, a gene where loss-of-function variants are known to be pathogenic. Please note: this variant was assessed in the context of healthy population screening.